The following is an entry in ClinVar:

ClinVar aggregate classification (germline): Uncertain significance (1 of 4 stars; one submission).

Allele frequency attached by ClinVar (database versions not stated): gnomAD exomes below 0.00001; ExAC 0.00001.
gnomAD v4.1: 2 of 1,613,988 alleles (0.00012%); highest among the groups gnomAD compares: Non-Finnish European, 0.000085%; no homozygotes.

Submission:

CeGaT Center for Human Genetics Tuebingen
Classification: Uncertain significance. Last evaluated: 2023-01-01. Review status: criteria provided, single submitter. Criteria: CeGaT Center For Human Genetics Tuebingen Variant Classification Criteria Version 2. Collection method: clinical testing. Allele origin: germline. Affected: yes. Observed: 1 variant allele.
Comment: FLG: PM2, BP4

NM_002016.2(FLG):c.2179C>A (p.His727Asn)

Genes: CCDST (cervical cancer associated DHX9 suppressive transcript; plus strand), FLG (filaggrin; minus strand). Cytogenetic location: 1q21.3.
Variant type: single nucleotide variant.
Coding change: c.2179C>A on transcript NM_002016.2 (MANE Select); coding-DNA position 2179, C replaced by A.
Protein change: p.His727Asn; replaces histidine 727 with asparagine.
Molecular consequence: missense variant.
Genome position (GRCh38, 1-based): chr1:152,312,707, G>T on the plus strand (C>A on the coding strand, the complement: FLG is on the minus strand). VCF-style: chr1-152312707-G-T. GRCh37 (hg19) VCF-style: chr1-152285183-G-T.
Other names: short protein forms H727N.
Identifiers: ClinVar variation 2498420 (VCV002498420.28), dbSNP rs751717968, ClinGen allele CA1107303.